The following is an entry in ClinVar:

NM_022089.4(ATP13A2):c.2239G>A (p.Val747Ile)

Gene: ATP13A2 (ATPase cation transporting 13A2; minus strand). Cytogenetic location: 1p36.13.
Variant type: single nucleotide variant.
Coding change: c.2239G>A on transcript NM_022089.4 (MANE Select); coding-DNA position 2239, G replaced by A.
Protein change: p.Val747Ile; replaces valine 747 with isoleucine.
Molecular consequence: missense variant.
Genome position (GRCh38, 1-based): chr1:16,991,746, C>T on the plus strand (G>A on the coding strand, the complement: ATP13A2 is on the minus strand). VCF-style: chr1-16991746-C-T. GRCh37 (hg19) VCF-style: chr1-17318241-C-T.
Other names: c.2224G>A, p.Val742Ile (NM_001141973.3, NM_001141974.3); short protein forms V747I, V742I.
Identifiers: ClinVar variation 1964615 (VCV001964615.3), dbSNP rs774714712, ClinGen allele CA636928.

ClinVar aggregate classification (germline): Uncertain significance (1 of 4 stars; one submission).

Conditions:
Autosomal recessive spastic paraplegia type 78. Identifiers: Orphanet 513436, MedGen C5567893, MONDO:0014975, OMIM 617225.
Kufor-Rakeb syndrome (KRS). Also called: PARKINSON DISEASE 9, AUTOSOMAL RECESSIVE, JUVENILE-ONSET. Identifiers: Orphanet 306674, Orphanet 314632, MedGen C1847640, MONDO:0011706, OMIM 606693.

Allele frequency attached by ClinVar (database versions not stated): TOPMed below 0.00001; gnomAD exomes 0.00001; ExAC 0.00002.
gnomAD v4.1: 9 of 1,614,168 alleles (0.00056%); highest among the groups gnomAD compares: East Asian, 0.0022%; no homozygotes.

Submission:

Labcorp Genetics (formerly Invitae), Labcorp
Classification: Uncertain significance for Kufor-Rakeb syndrome; Autosomal recessive spastic paraplegia type 78. Last evaluated: 2022-05-08. Review status: criteria provided, single submitter. Criteria: Invitae Variant Classification Sherloc (09022015). Collection method: clinical testing. Allele origin: germline.
Comment: This sequence change replaces valine, which is neutral and non-polar, with isoleucine, which is neutral and non-polar, at codon 747 of the ATP13A2 protein (p.Val747Ile). This variant is present in population databases (rs774714712, gnomAD 0.006%). This variant has not been reported in the literature in individuals affected with ATP13A2-related conditions. Advanced modeling of protein sequence and biophysical properties (such as structural, functional, and spatial information, amino acid conservation, physicochemical variation, residue mobility, and thermodynamic stability) performed at Invitae indicates that this missense variant is not expected to disrupt ATP13A2 protein function. In summary, the available evidence is currently insufficient to determine the role of this variant in disease. Therefore, it has been classified as a Variant of Uncertain Significance.